The following is an entry in ClinVar:

NC_000023.10:g.(22237221_22239729)_(22245729_22263449)dup

Gene: PHEX (phosphate regulating endopeptidase X-linked; plus strand). Cytogenetic location: Xp22.11.
Variant type: Duplication.
Identifiers: ClinVar variation 1723340 (VCV001723340.1).

ClinVar aggregate classification (germline): Likely pathogenic (1 of 4 stars; one submission).

Conditions:
Familial X-linked hypophosphatemic vitamin D refractory rickets (XLHRD). Also called: X-Linked Hypophosphatemia; Hypophosphatemia, vitamin D-resistant rickets; Vitamin D-resistant rickets, X-linked; HYPOPHOSPHATEMIC VITAMIN D-RESISTANT RICKETS; Hypophosphatemic Rickets, X-Linked Dominant. Identifiers: Orphanet 89936, MedGen C0733682, MONDO:0010619, OMIM 307800.

Submission:

Women's Health and Genetics/Laboratory Corporation of America, LabCorp
Classification: Likely pathogenic for Familial X-linked hypophosphatemic vitamin D refractory rickets. Last evaluated: 2022-10-19. Review status: criteria provided, single submitter. Criteria: LabCorp Variant Classification Summary - May 2015. Collection method: clinical testing. Allele origin: germline.
Comment: Variant summary: The variant identified by MLPA or other technology involves the duplication of exons 18-20 in the PHEX gene. A presumed nomenclature of c.(1768+1_1769-1)_(2070+1_2071-1)dup has been designated for the purposes of this classification. It has been assumed that this is a tandem duplication in direct orientation (Richardson_GIM_2018, Newman_AJHG_2015). Although exact breakpoints of this duplication are not known, it is expected to result in a frameshift in the PHEX gene, a known mechanism of disease. The variant was absent in 16120 control chromosomes (gnomAD, Structural Variants dataset). The available data on variant occurrences in the general population are insufficient to allow any conclusion about variant significance. Duplication of exons 18-20 has been reported in the literature in two individuals suspected of X-Linked Hypophosphatemic Rickets, however they ultimately did not receive a clinical diagnosis (e.g. Rush_2022). Therefore, this report does not provide unequivocal conclusions about association of the variant with X-Linked Hypophosphatemic Rickets. To our knowledge, no experimental evidence demonstrating an impact on protein function has been reported. One clinical diagnostic laboratory has submitted a clinical-significance assessment for this variant to ClinVar after 2014 and classified the variant as likely pathogenic. Based on the evidence outlined above, the variant was classified as likely pathogenic.

Literature cited by the submitters: PubMed 34633109.